The following is an entry in ClinVar:

ClinVar aggregate classification (germline): Conflicting classifications of pathogenicity. Review status: criteria provided, conflicting classifications (1 of 4 stars). 3 submissions from 3 submitters: Uncertain significance (1); Likely benign (2). Last evaluated 2026-08-06.

Conditions:
Familial cancer of breast. Also called: BREAST CANCER, FAMILIAL; Hereditary breast cancer; hereditary breast carcinoma. Identifiers: Orphanet 227535, MedGen C0346153, MONDO:0016419, OMIM 114480. Disease mechanism: loss of function.

Allele frequency attached by ClinVar (database versions not stated): ExAC 0.00012; gnomAD exomes 0.00014 and 0.00037; ESP Exome Variant Server 0.00015; gnomAD 0.00027; TOPMed 0.00032.
gnomAD v4.1: 581 of 1,614,080 alleles (0.036%); highest among the groups gnomAD compares: Non-Finnish European, 0.045%; no homozygotes.

Submissions (3):

OLLIN Analises Genomicas, OLLIN
Classification: Uncertain significance for Familial cancer of breast. Last evaluated: 2026-08-06. Review status: criteria provided, single submitter. Criteria: ACMG Guidelines 2015 PMID 25741868. Collection method: clinical testing. Allele origin: germline.
Comment: This missense variant, located in exon 8 (of 8), has been reported in ClinVar (accession VCV001117125.7) and in gnomAD with an allele frequency of 0.036%. However, to our knowledge, it has not been reported in the scientific literature. In silico analysis predicts that this variant has a tolerated effect. According to the currently available evidence, this variant has been classified as uncertain significance (BP4).

Labcorp Genetics (formerly Invitae), Labcorp
Classification: Likely benign. Last evaluated: 2019-12-07. Review status: criteria provided, single submitter. Criteria: Invitae Variant Classification Sherloc (09022015). Collection method: clinical testing. Allele origin: germline.

Breakthrough Genomics
Classification: Likely benign. Review status: criteria provided, single submitter. Criteria: ACMG Guidelines, 2015. Collection method: not provided. Allele origin: germline. Inheritance: Autosomal recessive inheritance. Affected: yes.

NM_000125.4(ESR1):c.1705G>A (p.Ala569Thr)

Gene: ESR1 (estrogen receptor 1; plus strand). Cytogenetic location: 6q25.1.
Variant type: single nucleotide variant.
Coding change: c.1705G>A on transcript NM_000125.4 (MANE Select); coding-DNA position 1705, G replaced by A.
Protein change: p.Ala569Thr; replaces alanine 569 with threonine.
Molecular consequence: missense variant. On other transcripts: 3 prime UTR variant (3), intron variant (1).
Genome position (GRCh38, 1-based): chr6:152,098,883, G>A. VCF-style: chr6-152098883-G-A. GRCh37 (hg19) VCF-style: chr6-152420018-G-A.
Other names: c.*120G>A (NM_001385570.1, NM_001385571.1, NM_001385572.1); c.851-26383G>A (NM_001328100.2); c.1705G>A, p.Ala569Thr (NM_001122740.2, NM_001122741.2, NM_001122742.2 and 2 more transcripts); c.1711G>A, p.Ala571Thr (NM_001291230.2); c.1702G>A, p.Ala568Thr (NM_001291241.2); short protein forms A568T, A569T, A571T.
Identifiers: ClinVar variation 1117125 (VCV001117125.8), dbSNP rs199967983, ClinGen allele CA4052527.